The following is an entry in ClinVar:

ClinVar aggregate classification (germline): Uncertain significance (1 of 4 stars; one submission).

Conditions:
PHGDH deficiency. Identifiers: Orphanet 79351, MedGen C1866174, MONDO:0011152, OMIM 601815.

gnomAD v4.1: 1 of 1,613,754 alleles (0.000062%); no homozygotes.

Submission:

Labcorp Genetics (formerly Invitae), Labcorp
Classification: Uncertain significance for PHGDH deficiency. Last evaluated: 2022-03-09. Review status: criteria provided, single submitter. Criteria: Invitae Variant Classification Sherloc (09022015). Collection method: clinical testing. Allele origin: germline.
Comment: This sequence change replaces arginine, which is basic and polar, with serine, which is neutral and polar, at codon 119 of the PHGDH protein (p.Arg119Ser). This variant is present in population databases (no rsID available, gnomAD 0.0009%). This variant has not been reported in the literature in individuals affected with PHGDH-related conditions. Algorithms developed to predict the effect of missense changes on protein structure and function are either unavailable or do not agree on the potential impact of this missense change (SIFT: "Deleterious"; PolyPhen-2: "Probably Damaging"; Align-GVGD: "Class C0"). Algorithms developed to predict the effect of sequence changes on RNA splicing suggest that this variant may create or strengthen a splice site. In summary, the available evidence is currently insufficient to determine the role of this variant in disease. Therefore, it has been classified as a Variant of Uncertain Significance.

NM_006623.4(PHGDH):c.357G>T (p.Arg119Ser)

Gene: PHGDH (phosphoglycerate dehydrogenase; plus strand). Cytogenetic location: 1p12.
Variant type: single nucleotide variant.
Coding change: c.357G>T on transcript NM_006623.4 (MANE Select); coding-DNA position 357, G replaced by T.
Protein change: p.Arg119Ser; replaces arginine 119 with serine.
Molecular consequence: missense variant.
Genome position (GRCh38, 1-based): chr1:119,726,851, G>T. VCF-style: chr1-119726851-G-T. GRCh37 (hg19) VCF-style: chr1-120269474-G-T.
Other names: short protein forms R119S.
Identifiers: ClinVar variation 1987004 (VCV001987004.1), dbSNP rs1326606410, ClinGen allele CA341847531.